The following is an entry in ClinVar:

NM_006618.5(KDM5B):c.1311C>T (p.Gly437=)

Gene: KDM5B (lysine demethylase 5B; minus strand). Cytogenetic location: 1q32.1.
Variant type: single nucleotide variant.
Coding change: c.1311C>T on transcript NM_006618.5 (MANE Select); coding-DNA position 1311, C replaced by T.
Protein change: p.Gly437=; no amino-acid change (glycine 437 retained).
Molecular consequence: synonymous variant.
Genome position (GRCh38, 1-based): chr1:202,756,403, G>A on the plus strand (C>T on the coding strand, the complement: KDM5B is on the minus strand). VCF-style: chr1-202756403-G-A. GRCh37 (hg19) VCF-style: chr1-202725531-G-A.
Other names: c.1419C>T, p.Gly473= (NM_001314042.2); c.1176C>T, p.Gly392= (NM_001347591.2); c.1296C>T, p.Gly432= (NM_001399817.1).
Identifiers: ClinVar variation 3341704 (VCV003341704.16).

ClinVar aggregate classification (germline): Likely benign (1 of 4 stars; one submission).

gnomAD v4.1: 60 of 1,613,224 alleles (0.0037%); highest among the groups gnomAD compares: Admixed American, 0.075%; 1 homozygote.

Submission:

CeGaT Center for Human Genetics Tuebingen
Classification: Likely benign. Last evaluated: 2024-08-01. Review status: criteria provided, single submitter. Criteria: CeGaT Center For Human Genetics Tuebingen Variant Classification Criteria Version 2. Collection method: clinical testing. Allele origin: germline. Affected: yes. Observed: 1 variant allele.
Comment: KDM5B: BP4, BS2